The following is an entry in ClinVar:

NM_020944.3(GBA2):c.33C>T (p.Thr11=)

Gene: GBA2 (glucosylceramidase beta 2; minus strand). Cytogenetic location: 9p13.3.
Variant type: single nucleotide variant.
Coding change: c.33C>T on transcript NM_020944.3 (MANE Select); coding-DNA position 33, C replaced by T.
Protein change: p.Thr11=; no amino-acid change (threonine 11 retained).
Molecular consequence: synonymous variant.
Genome position (GRCh38, 1-based): chr9:35,748,672, G>A on the plus strand (C>T on the coding strand, the complement: GBA2 is on the minus strand). VCF-style: chr9-35748672-G-A. GRCh37 (hg19) VCF-style: chr9-35748669-G-A.
Other names: p.Thr11=; c.33C>T, p.Thr11= (NM_001330660.2).
Identifiers: ClinVar variation 129139 (VCV000129139.17), dbSNP rs34312177, ClinGen allele CA152948.

ClinVar aggregate classification (germline): Benign. Review status: criteria provided, multiple submitters, no conflicts (2 of 4 stars). 5 submissions from 5 submitters: Benign (4). 1 of the submissions does not count toward it. Last evaluated 2026-02-03.

Conditions:
Spastic paraplegia. Identifiers: MedGen C0037772, HP:0001258.

Allele frequency attached by ClinVar (database versions not stated): gnomAD exomes 0.03919 and 0.04523; ExAC 0.04282; 1000 Genomes Project 0.06210; gnomAD 0.06653 and 0.06991; 1000 Genomes Project 30x 0.06746; TOPMed 0.07139; ESP Exome Variant Server 0.07727.
gnomAD v4.1: 74,888 of 1,586,674 alleles (4.7%); highest among the groups gnomAD compares: African/African-American, 14%; 2,380 homozygotes.

Submissions (5):

Labcorp Genetics (formerly Invitae), Labcorp
Classification: Benign for Spastic paraplegia. Last evaluated: 2026-02-03. Review status: criteria provided, single submitter. Criteria: Invitae Variant Classification Sherloc (09022015). Collection method: clinical testing. Allele origin: germline.

Mayo Clinic Laboratories, Mayo Clinic
Classification: Benign. Last evaluated: 2018-02-01. Review status: criteria provided, single submitter. Criteria: ACMG Guidelines, 2015. Collection method: clinical testing. Allele origin: germline. Observed: 186 variant alleles.

GeneDx
Classification: Benign. Last evaluated: 2016-03-11. Review status: criteria provided, single submitter. Criteria: GeneDx Variant Classification (06012015). Collection method: clinical testing. Allele origin: germline. Affected: yes.
Comment: This variant is considered likely benign or benign based on one or more of the following criteria: it is a conservative change, it occurs at a poorly conserved position in the protein, it is predicted to be benign by multiple in silico algorithms, and/or has population frequency not consistent with disease.

Breakthrough Genomics
Classification: Benign. Review status: criteria provided, single submitter. Criteria: ACMG Guidelines, 2015. Collection method: not provided. Allele origin: germline. Inheritance: Autosomal recessive inheritance. Affected: yes.

Genetic Services Laboratory, University of Chicago
Classification: Likely benign for AllHighlyPenetrant. Review status: no assertion criteria provided. Collection method: clinical testing. Allele origin: germline. Inheritance: Autosomal recessive inheritance. Not counted in ClinVar's aggregate classification.
Comment: Likely benign based on allele frequency in 1000 Genomes Project or ESP global frequency and its presence in a patient with a rare or unrelated disease phenotype. NOT Sanger confirmed.